The following is an entry in ClinVar:

ClinVar aggregate classification (germline): Uncertain significance (1 of 4 stars; one submission).

Conditions:
Wilms tumor 1 (WT1). Also called: Wilms tumor, somatic. Identifiers: Orphanet 654, MedGen CN033288, MONDO:0008679, OMIM 194070.

Allele frequency attached by ClinVar (database versions not stated): gnomAD exomes below 0.00001; TOPMed below 0.00001.
gnomAD v4.1: 3 of 1,211,193 alleles (0.00025%); highest among the groups gnomAD compares: Non-Finnish European, 0.00022%; no homozygotes.

Submission:

Labcorp Genetics (formerly Invitae), Labcorp
Classification: Uncertain significance for Wilms tumor 1. Last evaluated: 2023-11-21. Review status: criteria provided, single submitter. Criteria: Invitae Variant Classification Sherloc (09022015). Collection method: clinical testing. Allele origin: germline.
Comment: This sequence change replaces proline, which is neutral and non-polar, with serine, which is neutral and polar, at codon 56 of the GPC3 protein (p.Pro56Ser). This variant is not present in population databases (gnomAD no frequency). This variant has not been reported in the literature in individuals affected with GPC3-related conditions. ClinVar contains an entry for this variant (Variation ID: 2161173). Advanced modeling of protein sequence and biophysical properties (such as structural, functional, and spatial information, amino acid conservation, physicochemical variation, residue mobility, and thermodynamic stability) performed at Invitae indicates that this missense variant is expected to disrupt GPC3 protein function with a positive predictive value of 80%. In summary, the available evidence is currently insufficient to determine the role of this variant in disease. Therefore, it has been classified as a Variant of Uncertain Significance.

NM_004484.4(GPC3):c.166C>T (p.Pro56Ser)

Gene: GPC3 (glypican 3; minus strand). Cytogenetic location: Xq26.2.
Variant type: single nucleotide variant.
Coding change: c.166C>T on transcript NM_004484.4 (MANE Select); coding-DNA position 166, C replaced by T.
Protein change: p.Pro56Ser; replaces proline 56 with serine.
Molecular consequence: missense variant.
Genome position (GRCh38, 1-based): chrX:133,985,284, G>A on the plus strand (C>T on the coding strand, the complement: GPC3 is on the minus strand). VCF-style: chrX-133985284-G-A. GRCh37 (hg19) VCF-style: chrX-133119311-G-A.
Other names: c.166C>T, p.Pro56Ser (NM_001164617.2, NM_001164618.2, NM_001164619.2); short protein forms P56S.
Identifiers: ClinVar variation 2161173 (VCV002161173.4), dbSNP rs2076562247, ClinGen allele CA414706888.
Genomic context (GRCh38, chrX:133,985,284, plus strand): 5'-GCGCCTTGCTCCCCGCTGGGCGCTAGGCACGCTCAAGGGACCCCTCCTCACCTGGCACGG[G>A]AGTTTCTGGCACCCACTTGAGTCCGGGCTGCAGTCTCTGGAAGAAGGAGCGGACTTGGTG-3'
Protein context (NP_004475.1, residues 46-66): QPGLKWVPET[Pro56Ser]VPGSDLQVCL